The following is an entry in ClinVar:

ClinVar aggregate classification (germline): Conflicting classifications of pathogenicity. Review status: criteria provided, conflicting classifications (1 of 4 stars). 2 submissions from 2 submitters: Uncertain significance (1); Likely benign (1). Last evaluated 2024-06-17.

Conditions:
Gastrointestinal stromal tumor. Also called: Gastrointestinal stroma tumor; Gastrointestinal stromal tumor, somatic. Identifiers: Orphanet 44890, MedGen C0238198, MeSH D046152, MONDO:0011719, OMIM 606764, HP:0100723.
Hereditary cancer-predisposing syndrome. Also called: Tumor predisposition; Hereditary neoplastic syndrome; Neoplastic Syndromes, Hereditary; Hereditary Cancer Syndrome. Identifiers: Orphanet 140162, MedGen C0027672, MeSH D009386, MONDO:0015356.

Allele frequency attached by ClinVar (database versions not stated): ExAC 0.00001; gnomAD 0.00001; gnomAD exomes 0.00001.
gnomAD v4.1: 9 of 1,602,264 alleles (0.00056%); highest among the groups gnomAD compares: African/African-American, 0.0013%; no homozygotes.

Submissions (2):

Labcorp Genetics (formerly Invitae), Labcorp
Classification: Likely benign for Gastrointestinal stromal tumor. Last evaluated: 2024-06-17. Review status: criteria provided, single submitter. Criteria: Invitae Variant Classification Sherloc (09022015). Collection method: clinical testing. Allele origin: germline.

Ambry Genetics
Classification: Uncertain significance for Hereditary cancer-predisposing syndrome. Last evaluated: 2024-03-07. Review status: criteria provided, single submitter. Criteria: Ambry Variant Classification Scheme 2023. Collection method: clinical testing. Allele origin: germline.
Comment: The c.1892-5A>G intronic variant results from an A to G substitution 5 nucleotides upstream from coding exon 13 in the PDGFRA gene. This nucleotide position is not well conserved in available vertebrate species. In silico splice site analysis predicts that this alteration will not have any significant effect on splicing. Based on the available evidence, the clinical significance of this alteration remains unclear.

NM_006206.6(PDGFRA):c.1892-5A>G

Gene: PDGFRA (platelet derived growth factor receptor alpha; plus strand). Cytogenetic location: 4q12.
Variant type: single nucleotide variant.
Coding change: c.1892-5A>G on transcript NM_006206.6 (MANE Select); 5 bases into the intron before coding-DNA position 1892, A replaced by G.
Molecular consequence: intron variant.
Genome position (GRCh38, 1-based): chr4:54,277,891, A>G. VCF-style: chr4-54277891-A-G. GRCh37 (hg19) VCF-style: chr4-55144058-A-G.
Other names: c.1967-5A>G (NM_001347828.2); c.1892-5A>G (NM_001347827.2, NM_001347829.2); c.1931-5A>G (NM_001347830.2).
Identifiers: ClinVar variation 459029 (VCV000459029.14), dbSNP rs766574854, ClinGen allele CA2922708.